The following is an entry in ClinVar:

NM_001033855.3(DCLRE1C):c.92T>C (p.Leu31Pro)

Gene: DCLRE1C (DNA cross-link repair 1C; minus strand). Cytogenetic location: 10p13.
Variant type: single nucleotide variant.
Coding change: c.92T>C on transcript NM_001033855.3 (MANE Select); coding-DNA position 92, T replaced by C.
Protein change: p.Leu31Pro; replaces leucine 31 with proline.
Molecular consequence: missense variant. On other transcripts: 5 prime UTR variant (9), non-coding transcript variant (4).
Genome position (GRCh38, 1-based): chr10:14,953,919, A>G on the plus strand (T>C on the coding strand, the complement: DCLRE1C is on the minus strand). VCF-style: chr10-14953919-A-G. GRCh37 (hg19) VCF-style: chr10-14995918-A-G.
Other names: c.-354T>C (NM_001033857.3, NM_001350967.2); c.-676T>C (NM_001033858.3); c.-113T>C (NM_001289076.2); c.-400T>C (NM_001289077.2); c.-146T>C (NM_001289078.2, NM_001350966.2); c.-722T>C (NM_001289079.2); c.92T>C, p.Leu31Pro (NM_001350965.2); c.-198T>C (NM_022487.4); short protein forms L31P.
Identifiers: ClinVar variation 4814558 (VCV004814558.1).

ClinVar aggregate classification (germline): Likely pathogenic (1 of 4 stars; one submission).

Conditions:
Athabaskan severe combined immunodeficiency (SCIDA). Also called: Severe combined immunodeficiency, athabascan-type. Identifiers: MedGen C1865370.

gnomAD v4.1: 1 of 1,614,034 alleles (0.000062%); highest among the groups gnomAD compares: Non-Finnish European, 0.000085%; no homozygotes.

Submission:

Natera, Inc.
Classification: Likely pathogenic for Athabascan severe combined immunodeficiency. Last evaluated: 2024-08-01. Review status: criteria provided, single submitter. Criteria: Natera Variant Classification Schema (03/2026). Collection method: clinical testing. Allele origin: germline.
Comment: The c.92T>C variant in DCLRE1C is a missense variant predicted to cause substitution of leucine to proline at amino acid 31. This variant is rare in the general population with a frequency below the threshold expected for the associated phenotype(s). This variant has been observed in one or more individuals affected with the associated recessive disease, as either homozygous or compound heterozygous with a second variant (PMID: 34421990). This variant has been identified in one or more affected individuals with a phenotype highly consistent with the associated gene (PMID: 34421990). Computational prediction algorithms indicate this variant is likely to affect gene or protein function. Given the available evidence, this variant is classified as Likely Pathogenic.

Literature cited by the submitters: PubMed 34421990.